The following is an entry in ClinVar:

NM_004168.4(SDHA):c.1029G>A (p.Val343=)

Gene: SDHA (succinate dehydrogenase complex flavoprotein subunit A; plus strand). Cytogenetic location: 5p15.33.
Variant type: single nucleotide variant.
Coding change: c.1029G>A on transcript NM_004168.4 (MANE Select); coding-DNA position 1029, G replaced by A.
Protein change: p.Val343=; no amino-acid change (valine 343 retained).
Molecular consequence: synonymous variant.
Genome position (GRCh38, 1-based): chr5:233,610, G>A. VCF-style: chr5-233610-G-A. GRCh37 (hg19) VCF-style: chr5-233725-G-A.
Other names: c.885G>A, p.Val295= (NM_001294332.2); c.1029G>A, p.Val343= (NM_001330758.2).
Identifiers: ClinVar variation 1770515 (VCV001770515.6), dbSNP rs2477350429, ClinGen allele CA442691722.

ClinVar aggregate classification (germline): Benign/Likely benign. Review status: criteria provided, multiple submitters, no conflicts (2 of 4 stars). 3 submissions from 3 submitters: Benign (1); Likely benign (2). Last evaluated 2025-03-07.

Conditions:
Pheochromocytoma/paraganglioma syndrome 5. Also called: Paragangliomas 5; SDHA-Related Hereditary Paraganglioma-Pheochromocytoma Syndrome. Identifiers: Orphanet 29072, MedGen C3279992, MONDO:0013602, OMIM 614165.
Hereditary cancer-predisposing syndrome. Also called: Tumor predisposition; Hereditary Cancer Syndrome; Hereditary neoplastic syndrome; Neoplastic Syndromes, Hereditary. Identifiers: Orphanet 140162, MedGen C0027672, MeSH D009386, MONDO:0015356.
Mitochondrial complex II deficiency, nuclear type 1. Also called: SUCCINATE CoQ REDUCTASE DEFICIENCY. Identifiers: Orphanet 3208, MedGen C5700310, MONDO:0100294, OMIM 252011.

Allele frequency attached by ClinVar (database versions not stated): gnomAD exomes below 0.00001.
gnomAD v4.1: 2 of 1,614,158 alleles (0.00012%); highest among the groups gnomAD compares: Non-Finnish European, 0.00017%; no homozygotes.

Submissions (3):

Myriad Genetics, Inc.
Classification: Benign for Pheochromocytoma/paraganglioma syndrome 5. Last evaluated: 2025-03-07. Review status: criteria provided, single submitter. Criteria: Myriad Autosomal Dominant, Autosomal Recessive and X-Linked Classification Criteria (2023). Collection method: clinical testing. Allele origin: unknown.
Comment: This variant is considered benign. This variant is a silent/synonymous amino acid change and it is not expected to impact splicing.

Labcorp Genetics (formerly Invitae), Labcorp
Classification: Likely benign for Pheochromocytoma/paraganglioma syndrome 5; Mitochondrial complex II deficiency, nuclear type 1. Last evaluated: 2023-10-16. Review status: criteria provided, single submitter. Criteria: Invitae Variant Classification Sherloc (09022015). Collection method: clinical testing. Allele origin: germline.

Ambry Genetics
Classification: Likely benign for Hereditary cancer-predisposing syndrome. Last evaluated: 2019-06-17. Review status: criteria provided, single submitter. Criteria: Ambry Variant Classification Scheme 2023. Collection method: clinical testing. Allele origin: germline.